The following is an entry in ClinVar:

ClinVar aggregate classification (germline): Conflicting classifications of pathogenicity. Review status: criteria provided, conflicting classifications (1 of 4 stars). 3 submissions from 3 submitters: Uncertain significance (1); Likely benign (2). Last evaluated 2025-08-13.

Conditions:
Fanconi anemia (FA). Also called: Fanconi's anemia. Identifiers: Orphanet 84, MedGen C0015625, MeSH D005199, MONDO:0019391.
Inborn genetic diseases. Identifiers: MedGen C0950123, MeSH D030342.

Allele frequency attached by ClinVar (database versions not stated): gnomAD 0.00001; gnomAD exomes 0.00002; TOPMed 0.00002.
gnomAD v4.1: 31 of 1,607,274 alleles (0.0019%); highest among the groups gnomAD compares: Non-Finnish European, 0.0026%; no homozygotes.

Submissions (3):

Quest Diagnostics Nichols Institute San Juan Capistrano
Classification: Uncertain significance. Last evaluated: 2025-08-13. Review status: criteria provided, single submitter. Criteria: Quest Diagnostics criteria. Collection method: clinical testing. Allele origin: unknown.
Comment: The FANCM c.2169A>G (p.Glu723=) synonymous variant has not been reported in individuals with FANCM-related conditions in the published literature. The frequency of this variant in the general population (Genome Aggregation Database) is uninformative in the assessment of its pathogenicity. Analysis of this variant using software algorithms for the prediction of the effect of nucleotide changes on splicing yielded predictions that this variant does not affect FANCM mRNA splicing. Based on the available information, we are unable to determine the clinical significance of this variant.

Labcorp Genetics (formerly Invitae), Labcorp
Classification: Likely benign for Fanconi anemia. Last evaluated: 2025-07-25. Review status: criteria provided, single submitter. Criteria: Invitae Variant Classification Sherloc (09022015). Collection method: clinical testing. Allele origin: germline.

Ambry Genetics
Classification: Likely benign for Inborn genetic diseases. Last evaluated: 2024-12-03. Review status: criteria provided, single submitter. Criteria: Ambry Variant Classification Scheme 2023. Collection method: clinical testing. Allele origin: germline.

NM_020937.4(FANCM):c.2169A>G (p.Glu723=)

Gene: FANCM (FA complementation group M; plus strand). Cytogenetic location: 14q21.2.
Variant type: single nucleotide variant.
Coding change: c.2169A>G on transcript NM_020937.4 (MANE Select); coding-DNA position 2169, A replaced by G.
Protein change: p.Glu723=; no amino-acid change (glutamic acid 723 retained).
Molecular consequence: synonymous variant.
Genome position (GRCh38, 1-based): chr14:45,173,063, A>G. VCF-style: chr14-45173063-A-G. GRCh37 (hg19) VCF-style: chr14-45642266-A-G.
Other names: c.2169A>G (NM_020937.3); c.2091A>G, p.Glu697= (NM_001308133.2).
Identifiers: ClinVar variation 2908102 (VCV002908102.5), dbSNP rs774758124, ClinGen allele CA259626745.
Genomic context (GRCh38, chr14:45,173,063, plus strand): 5'-TGTGAAATCTCAGTATGTTTTCATCATTTTTATTACTTTTTAAATAATTAAGGCTCAAGA[A>G]TCAACCACTGGAATTCATCAACTCTCTCTCTCTGAATGGAGACTGTGGCAAGATCATCCT-3'
Protein context (NP_065988.1, residues 713-733): LQNEENKPAQ[Glu723=]STTGIHQLSL